The following is an entry in ClinVar:

ClinVar aggregate classification (germline): Conflicting classifications of pathogenicity. Review status: criteria provided, conflicting classifications (1 of 4 stars). 6 submissions from 5 submitters: Uncertain significance (2); Likely benign (4). Last evaluated 2025-06-11.

Conditions:
Cardiovascular phenotype. Identifiers: MedGen CN230736.
Catecholaminergic polymorphic ventricular tachycardia (CVPT). Also called: Catecholamine-induced polymorphic ventricular tachycardia. Identifiers: Orphanet 3286, MedGen C5574922, MONDO:0017990.
Arrhythmogenic right ventricular dysplasia 2. Identifiers: MedGen C1832931.
Cardiomyopathy (CMYO). Also called: Cardiomyopathies. Identifiers: Orphanet 167848, MedGen C0878544, MONDO:0004994, HP:0001638. Inheritance: Various modes of inheritance.
Catecholaminergic polymorphic ventricular tachycardia 1. Also called: VENTRICULAR TACHYCARDIA, CATECHOLAMINERGIC POLYMORPHIC, 1, WITH OR WITHOUT ATRIAL DYSFUNCTION AND/OR DILATED CARDIOMYOPATHY; VENTRICULAR TACHYCARDIA, STRESS-INDUCED POLYMORPHIC 1; RYR2-Related Catecholaminergic Polymorphic Ventricular Tachycardia. Identifiers: Orphanet 3286, MedGen C1631597, MONDO:0011484, OMIM 604772.

Allele frequency attached by ClinVar (database versions not stated): gnomAD exomes 0.00001.
gnomAD v4.1: 11 of 1,614,000 alleles (0.00068%); highest among the groups gnomAD compares: Non-Finnish European, 0.00093%; no homozygotes.

Submissions (6):

Labcorp Genetics (formerly Invitae), Labcorp
Classification: Likely benign for Catecholaminergic polymorphic ventricular tachycardia 1. Last evaluated: 2025-06-11. Review status: criteria provided, single submitter. Criteria: Invitae Variant Classification Sherloc (09022015). Collection method: clinical testing. Allele origin: germline.

All of Us Research Program, National Institutes of Health
Classification: Likely benign for Catecholaminergic polymorphic ventricular tachycardia. Last evaluated: 2023-04-28. Review status: criteria provided, single submitter. Criteria: ACMG Guidelines, 2015. Collection method: clinical testing. Allele origin: germline. Inheritance: Autosomal dominant inheritance. Observed: 1 variant allele, 1 heterozygote.
Comment: This study involves interpretation of variants in research participants for the purpose of population health screening. Participant phenotype was not available at the time of variant classification. Additional details can be found in publication PMID: 35346344, PMCID: PMC8962531

Color Diagnostics, LLC DBA Color Health
Classification: Likely benign for Cardiomyopathy. Last evaluated: 2020-10-05. Review status: criteria provided, single submitter. Criteria: ACMG Guidelines, 2015. Collection method: clinical testing. Allele origin: germline.

Ambry Genetics
Classification: Likely benign for Cardiovascular phenotype. Last evaluated: 2020-03-16. Review status: criteria provided, single submitter. Criteria: Ambry Variant Classification Scheme 2023. Collection method: clinical testing. Allele origin: germline.

Illumina Laboratory Services, Illumina
Classification: Uncertain significance for Catecholaminergic polymorphic ventricular tachycardia 1. Last evaluated: 2018-01-13. Review status: criteria provided, single submitter. Criteria: ICSL Variant Classification Criteria 13 December 2019. Collection method: clinical testing. Allele origin: germline.

Illumina Laboratory Services, Illumina
Classification: Uncertain significance for Catecholaminergic polymorphic ventricular tachycardia 1. Last evaluated: 2018-01-13. Review status: criteria provided, single submitter. Criteria: ICSL Variant Classification Criteria 13 December 2019. Collection method: clinical testing. Allele origin: germline.

NM_001035.3(RYR2):c.7599T>C (p.Pro2533=)

Gene: RYR2 (ryanodine receptor 2; plus strand). Cytogenetic location: 1q43.
Variant type: single nucleotide variant.
Coding change: c.7599T>C on transcript NM_001035.3 (MANE Select); coding-DNA position 7599, T replaced by C.
Protein change: p.Pro2533=; no amino-acid change (proline 2533 retained).
Molecular consequence: synonymous variant.
Genome position (GRCh38, 1-based): chr1:237,649,963, T>C. VCF-style: chr1-237649963-T-C. GRCh37 (hg19) VCF-style: chr1-237813263-T-C.
Other names: c.7599T>C, p.Pro2533= (LRG_402t1).
Identifiers: ClinVar variation 296733 (VCV000296733.20), dbSNP rs886046274, ClinGen allele CA10610728.